The following is an entry in ClinVar:

NM_001003800.2(BICD2):c.2542G>A (p.Glu848Lys)

Gene: BICD2 (BICD cargo adaptor 2; minus strand). Cytogenetic location: 9q22.31.
Variant type: single nucleotide variant.
Coding change: c.2542G>A on transcript NM_001003800.2 (MANE Select); coding-DNA position 2542, G replaced by A.
Protein change: p.Glu848Lys; replaces glutamic acid 848 with lysine.
Molecular consequence: missense variant. On other transcripts: intron variant (1).
Genome position (GRCh38, 1-based): chr9:92,715,180, C>T on the plus strand (G>A on the coding strand, the complement: BICD2 is on the minus strand). VCF-style: chr9-92715180-C-T. GRCh37 (hg19) VCF-style: chr9-95477462-C-T.
Other names: c.2469+73G>A (NM_015250.4); short protein forms E848K.
Identifiers: ClinVar variation 1431579 (VCV001431579.8), dbSNP rs766447651, ClinGen allele CA5126271.

ClinVar aggregate classification (germline): Uncertain significance (1 of 4 stars; one submission).

Conditions:
Autosomal dominant childhood-onset proximal spinal muscular atrophy with contractures (SMALED2A). Also called: Spinal muscular atrophy, lower extremity-predominant, 2A, autosomal dominant; SPINAL MUSCULAR ATROPHY, LOWER EXTREMITY-PREDOMINANT, 2A, CHILDHOOD ONSET, AUTOSOMAL DOMINANT. Identifiers: Orphanet 363447, Orphanet 363454, MedGen C4747715, MONDO:0014121, OMIM 615290.

Allele frequency attached by ClinVar (database versions not stated): gnomAD 0.00001; gnomAD exomes 0.00001 and 0.00002; ExAC 0.00003.

Submission:

Labcorp Genetics (formerly Invitae), Labcorp
Classification: Uncertain significance for Autosomal dominant childhood-onset proximal spinal muscular atrophy with contractures. Last evaluated: 2021-07-26. Review status: criteria provided, single submitter. Criteria: Invitae Variant Classification Sherloc (09022015). Collection method: clinical testing. Allele origin: germline.
Comment: In summary, the available evidence is currently insufficient to determine the role of this variant in disease. Therefore, it has been classified as a Variant of Uncertain Significance. Advanced modeling of protein sequence and biophysical properties (such as structural, functional, and spatial information, amino acid conservation, physicochemical variation, residue mobility, and thermodynamic stability) performed at Invitae indicates that this missense variant is not expected to disrupt BICD2 protein function. This variant has not been reported in the literature in individuals affected with BICD2-related conditions. This variant is present in population databases (rs766447651, ExAC 0.02%). This sequence change replaces glutamic acid with lysine at codon 848 of the BICD2 protein (p.Glu848Lys). The glutamic acid residue is moderately conserved and there is a small physicochemical difference between glutamic acid and lysine.